The following is an entry in ClinVar:

NM_005632.3(CAPN15):c.1082C>T (p.Ser361Leu)

Gene: CAPN15 (calpain 15; plus strand). Cytogenetic location: 16p13.3.
Variant type: single nucleotide variant.
Coding change: c.1082C>T on transcript NM_005632.3 (MANE Select); coding-DNA position 1082, C replaced by T.
Protein change: p.Ser361Leu; replaces serine 361 with leucine.
Molecular consequence: missense variant.
Genome position (GRCh38, 1-based): chr16:547,920, C>T. VCF-style: chr16-547920-C-T. GRCh37 (hg19) VCF-style: chr16-597920-C-T.
Other names: short protein forms S361L.
Identifiers: ClinVar variation 3352355 (VCV003352355.2).

ClinVar aggregate classification (germline): Uncertain significance. Review status: criteria provided, single submitter (1 of 4 stars). 2 submissions from 2 submitters: Uncertain significance (1). 1 of the submissions does not count toward it. Last evaluated 2025-08-24.

Conditions:
CAPN15-related disorder. Also called: CAPN15-related condition.

Submissions (2):

Ambry Genetics
Classification: Uncertain significance. Last evaluated: 2025-08-24. Review status: criteria provided, single submitter. Criteria: Ambry Variant Classification Scheme 2023. Collection method: clinical testing. Allele origin: germline.

PreventionGenetics, part of Exact Sciences
Classification: Uncertain significance for CAPN15-related condition. Last evaluated: 2024-05-10. Review status: no assertion criteria provided. Collection method: clinical testing. Allele origin: germline. Not counted in ClinVar's aggregate classification.
Comment: The CAPN15 c.1082C>T variant is predicted to result in the amino acid substitution p.Ser361Leu. To our knowledge, this variant has not been reported in the literature. This variant is reported in 0.095% of alleles in individuals of East Asian descent in gnomAD. Although we suspect that this variant may be benign, at this time, the clinical significance of this variant is uncertain due to the absence of conclusive functional and genetic evidence.